The following is an entry in ClinVar:

NM_005751.5(AKAP9):c.10511G>A (p.Gly3504Glu)

Gene: AKAP9 (A-kinase anchoring protein 9; plus strand). Cytogenetic location: 7q21.2.
Variant type: single nucleotide variant.
Coding change: c.10511G>A on transcript NM_005751.5 (MANE Select); coding-DNA position 10511, G replaced by A.
Protein change: p.Gly3504Glu; replaces glycine 3504 with glutamic acid.
Molecular consequence: missense variant.
Genome position (GRCh38, 1-based): chr7:92,097,698, G>A. VCF-style: chr7-92097698-G-A. GRCh37 (hg19) VCF-style: chr7-91727012-G-A.
Other names: c.5156G>A, p.Gly1719Glu (NM_001379277.1); c.10487G>A, p.Gly3496Glu (NM_147185.3); short protein forms G1719E, G3504E, G3496E.
Identifiers: ClinVar variation 3516618 (VCV003516618.1).

ClinVar aggregate classification (germline): Uncertain significance (1 of 4 stars; one submission).

Conditions:
Cardiovascular phenotype. Identifiers: MedGen CN230736.

gnomAD v4.1: 3 of 1,614,052 alleles (0.00019%); highest among the groups gnomAD compares: Non-Finnish European, 0.00025%; no homozygotes.

Submission:

Ambry Genetics
Classification: Uncertain significance for Cardiovascular phenotype. Last evaluated: 2024-09-22. Review status: criteria provided, single submitter. Criteria: Ambry Variant Classification Scheme 2023. Collection method: clinical testing. Allele origin: germline.
Comment: The p.G3504E variant (also known as c.10511G>A), located in coding exon 42 of the AKAP9 gene, results from a G to A substitution at nucleotide position 10511. The glycine at codon 3504 is replaced by glutamic acid, an amino acid with similar properties. This amino acid position is conserved. In addition, this alteration is predicted to be tolerated by in silico analysis. Based on the available evidence, the clinical significance of this variant remains unclear.